The following is an entry in ClinVar:

NM_001846.4(COL4A2):c.49C>T (p.Leu17=)

Gene: COL4A2 (collagen type IV alpha 2 chain; plus strand). Cytogenetic location: 13q34.
Variant type: single nucleotide variant.
Coding change: c.49C>T on transcript NM_001846.4 (MANE Select); coding-DNA position 49, C replaced by T.
Protein change: p.Leu17=; no amino-acid change (leucine 17 retained).
Molecular consequence: synonymous variant.
Genome position (GRCh38, 1-based): chr13:110,308,073, C>T. VCF-style: chr13-110308073-C-T. GRCh37 (hg19) VCF-style: chr13-110960420-C-T.
Identifiers: ClinVar variation 882686 (VCV000882686.9), dbSNP rs200430407, ClinGen allele CA7048755.

ClinVar aggregate classification (germline): Benign/Likely benign. Review status: criteria provided, multiple submitters, no conflicts (2 of 4 stars). 3 submissions from 3 submitters: Benign (2); Likely benign (1). Last evaluated 2026-01-15.

Conditions:
Brain small vessel disease 2A, autosomal dominant. Also called: Porencephaly 2. Identifiers: Orphanet 2940, Orphanet 99810, MedGen C3280970, MONDO:0013773, OMIM 614483.

Allele frequency attached by ClinVar (database versions not stated): TOPMed 0.00035; ESP Exome Variant Server 0.00040.
gnomAD v4.1: 442 of 1,613,702 alleles (0.027%); highest among the groups gnomAD compares: Middle Eastern, 0.033%; no homozygotes.

Submissions (3):

Labcorp Genetics (formerly Invitae), Labcorp
Classification: Benign. Last evaluated: 2026-01-15. Review status: criteria provided, single submitter. Criteria: Invitae Variant Classification Sherloc (09022015). Collection method: clinical testing. Allele origin: germline.

Blueprint Genetics
Classification: Likely benign. Last evaluated: 2024-10-25. Review status: criteria provided, single submitter. Criteria: ACMG Guidelines, 2015. Collection method: clinical testing. Allele origin: germline.

Illumina Laboratory Services, Illumina
Classification: Benign for Brain small vessel disease 2A, autosomal dominant. Last evaluated: 2017-04-27. Review status: criteria provided, single submitter. Criteria: ICSL Variant Classification Criteria 13 December 2019. Collection method: clinical testing. Allele origin: germline.
Comment: This variant was observed as part of a predisposition screen in an ostensibly healthy population. A literature search was performed for the gene, cDNA change, and amino acid change (where applicable). Publications were found based on this search. The evidence from the literature, in combination with allele frequency data from public databases where available, was sufficient to rule this variant out of causing disease. Therefore, this variant is classified as benign.

Literature cited by the submitters: PubMed 22209247 (cited by Illumina Laboratory Services, Illumina).